The following is an entry in ClinVar:

ClinVar aggregate classification (germline): Uncertain significance. Review status: criteria provided, multiple submitters, no conflicts (2 of 4 stars). 2 submissions from 2 submitters: Uncertain significance (2). Last evaluated 2025-09-06.

Conditions:
Ataxia-telangiectasia syndrome (AT). Also called: Ataxia telangiectasia (A-T); LOUIS-BAR SYNDROME; Cerebello-oculocutaneous telangiectasia; Immunodeficiency with ataxia telangiectasia; Ataxia-telangiectasia, complementation group D; AT, COMPLEMENTATION GROUP C. Identifiers: Orphanet 100, MedGen C0004135, MONDO:0008840, OMIM 208900.
Hereditary cancer-predisposing syndrome. Also called: Hereditary neoplastic syndrome; Neoplastic Syndromes, Hereditary; Tumor predisposition; Hereditary Cancer Syndrome. Identifiers: Orphanet 140162, MedGen C0027672, MeSH D009386, MONDO:0015356.

Allele frequency attached by ClinVar (database versions not stated): gnomAD exomes below 0.00001; gnomAD 0.00001; TOPMed 0.00001.
gnomAD v4.1: 1 of 1,613,526 alleles (0.000062%); highest among the groups gnomAD compares: African/African-American, 0.0013%; no homozygotes.

Submissions (2):

Ambry Genetics
Classification: Uncertain significance for Hereditary cancer-predisposing syndrome. Last evaluated: 2025-09-06. Review status: criteria provided, single submitter. Criteria: Ambry Variant Classification Scheme 2023. Collection method: clinical testing. Allele origin: germline.
Comment: The p.L1049F variant (also known as c.3147G>T), located in coding exon 20 of the ATM gene, results from a G to T substitution at nucleotide position 3147. The leucine at codon 1049 is replaced by phenylalanine, an amino acid with highly similar properties. This amino acid position is highly conserved in available vertebrate species. In addition, the in silico prediction for this alteration is inconclusive. Since supporting evidence is limited at this time, the clinical significance of this alteration remains unclear.

Labcorp Genetics (formerly Invitae), Labcorp
Classification: Uncertain significance for Ataxia-telangiectasia syndrome. Last evaluated: 2024-11-26. Review status: criteria provided, single submitter. Criteria: Invitae Variant Classification Sherloc (09022015). Collection method: clinical testing. Allele origin: germline.
Comment: This sequence change replaces leucine, which is neutral and non-polar, with phenylalanine, which is neutral and non-polar, at codon 1049 of the ATM protein (p.Leu1049Phe). This variant is not present in population databases (gnomAD no frequency). This variant has not been reported in the literature in individuals affected with ATM-related conditions. ClinVar contains an entry for this variant (Variation ID: 407698). Invitae Evidence Modeling of protein sequence and biophysical properties (such as structural, functional, and spatial information, amino acid conservation, physicochemical variation, residue mobility, and thermodynamic stability) indicates that this missense variant is not expected to disrupt ATM protein function with a negative predictive value of 95%. In summary, the available evidence is currently insufficient to determine the role of this variant in disease. Therefore, it has been classified as a Variant of Uncertain Significance.

NM_000051.4(ATM):c.3147G>T (p.Leu1049Phe)

Gene: ATM (ATM serine/threonine kinase; plus strand). Cytogenetic location: 11q22.3.
Variant type: single nucleotide variant.
Coding change: c.3147G>T on transcript NM_000051.4 (MANE Select); coding-DNA position 3147, G replaced by T.
Protein change: p.Leu1049Phe; replaces leucine 1049 with phenylalanine.
Molecular consequence: missense variant.
Genome position (GRCh38, 1-based): chr11:108,272,601, G>T. VCF-style: chr11-108272601-G-T. GRCh37 (hg19) VCF-style: chr11-108143328-G-T.
Other names: c.3147G>T, p.Leu1049Phe (NM_001351834.2); short protein forms L1049F.
Identifiers: ClinVar variation 407698 (VCV000407698.14), dbSNP rs1060501686, ClinGen allele CA16613319.